The following is an entry in ClinVar:

NM_001211.6(BUB1B):c.2777C>T (p.Thr926Ile)

Genes: BUB1B (BUB1 mitotic checkpoint serine/threonine kinase B; plus strand), BUB1B-PAK6 (BUB1B-PAK6 readthrough; plus strand). Cytogenetic location: 15q15.1.
Variant type: single nucleotide variant.
Coding change: c.2777C>T on transcript NM_001211.6 (MANE Select); coding-DNA position 2777, C replaced by T.
Protein change: p.Thr926Ile; replaces threonine 926 with isoleucine.
Molecular consequence: missense variant. On other transcripts: 5 prime UTR variant (2).
Genome position (GRCh38, 1-based): chr15:40,217,594, C>T. VCF-style: chr15-40217594-C-T. GRCh37 (hg19) VCF-style: chr15-40509795-C-T.
Other names: c.-274C>T (NM_001128628.3); c.-191C>T (NM_001128629.3); short protein forms T926I.
Identifiers: ClinVar variation 1000462 (VCV001000462.13), dbSNP rs74380950, ClinGen allele CA7476120.

ClinVar aggregate classification (germline): Uncertain significance. Review status: criteria provided, multiple submitters, no conflicts (2 of 4 stars). 3 submissions from 3 submitters: Uncertain significance (3). Last evaluated 2025-08-05.

Conditions:
Inborn genetic diseases. Identifiers: MedGen C0950123, MeSH D030342.
Mosaic variegated aneuploidy syndrome 1 (MVA1). Also called: Warburton-Anyane-Yeboa syndrome. Identifiers: Orphanet 1052, MedGen C1850343, MONDO:0009759, OMIM 257300.

Allele frequency attached by ClinVar (database versions not stated): gnomAD exomes 0.00001 and 0.00005; ExAC 0.00007; ESP Exome Variant Server 0.00015; TOPMed 0.00015; gnomAD 0.00017; 1000 Genomes Project 0.00020; 1000 Genomes Project 30x 0.00031.
gnomAD v4.1: 43 of 1,614,112 alleles (0.0027%); highest among the groups gnomAD compares: African/African-American, 0.053%; no homozygotes.

Submissions (3):

GeneDx
Classification: Uncertain significance. Last evaluated: 2025-08-05. Review status: criteria provided, single submitter. Criteria: GeneDx Variant Classification Process June 2021. Collection method: clinical testing. Allele origin: germline. Affected: yes.
Comment: In silico analysis suggests that this missense variant does not alter protein structure/function; Has not been previously published as pathogenic or benign to our knowledge

Labcorp Genetics (formerly Invitae), Labcorp
Classification: Uncertain significance for Mosaic variegated aneuploidy syndrome 1. Last evaluated: 2025-05-04. Review status: criteria provided, single submitter. Criteria: Invitae Variant Classification Sherloc (09022015). Collection method: clinical testing. Allele origin: germline.
Comment: This sequence change replaces threonine, which is neutral and polar, with isoleucine, which is neutral and non-polar, at codon 926 of the BUB1B protein (p.Thr926Ile). This variant is present in population databases (rs74380950, gnomAD 0.05%). This variant has not been reported in the literature in individuals affected with BUB1B-related conditions. ClinVar contains an entry for this variant (Variation ID: 1000462). An algorithm developed to predict the effect of missense changes on protein structure and function outputs the following: PolyPhen-2: "Benign". The isoleucine amino acid residue is found in multiple mammalian species, which suggests that this missense change does not adversely affect protein function. In summary, the available evidence is currently insufficient to determine the role of this variant in disease. Therefore, it has been classified as a Variant of Uncertain Significance.

Ambry Genetics
Classification: Uncertain significance for Inborn genetic diseases. Last evaluated: 2024-07-26. Review status: criteria provided, single submitter. Criteria: Ambry Variant Classification Scheme 2023. Collection method: clinical testing. Allele origin: germline.